The following is an entry in ClinVar:

ClinVar aggregate classification (germline): Uncertain significance (1 of 4 stars; one submission).

Conditions:
Wilms tumor 1 (WT1). Also called: Wilms tumor, somatic. Identifiers: Orphanet 654, MedGen CN033288, MONDO:0008679, OMIM 194070.

Allele frequency attached by ClinVar (database versions not stated): gnomAD exomes below 0.00001.
gnomAD v4.1: 1 of 1,208,222 alleles (0.000083%); highest among the groups gnomAD compares: African/African-American, 0.0017%; no homozygotes.

Submission:

Labcorp Genetics (formerly Invitae), Labcorp
Classification: Uncertain significance for Wilms tumor 1. Last evaluated: 2022-07-25. Review status: criteria provided, single submitter. Criteria: Invitae Variant Classification Sherloc (09022015). Collection method: clinical testing. Allele origin: germline.
Comment: This sequence change replaces glycine, which is neutral and non-polar, with valine, which is neutral and non-polar, at codon 508 of the GPC3 protein (p.Gly508Val). In summary, the available evidence is currently insufficient to determine the role of this variant in disease. Therefore, it has been classified as a Variant of Uncertain Significance. Algorithms developed to predict the effect of missense changes on protein structure and function are either unavailable or do not agree on the potential impact of this missense change (SIFT: "Tolerated"; PolyPhen-2: "Possibly Damaging"; Align-GVGD: "Class C0"). This variant has not been reported in the literature in individuals affected with GPC3-related conditions. This variant is not present in population databases (gnomAD no frequency).

NM_004484.4(GPC3):c.1523G>T (p.Gly508Val)

Gene: GPC3 (glypican 3; minus strand). Cytogenetic location: Xq26.2.
Variant type: single nucleotide variant.
Coding change: c.1523G>T on transcript NM_004484.4 (MANE Select); coding-DNA position 1523, G replaced by T.
Protein change: p.Gly508Val; replaces glycine 508 with valine.
Molecular consequence: missense variant.
Genome position (GRCh38, 1-based): chrX:133,596,490, C>A on the plus strand (G>T on the coding strand, the complement: GPC3 is on the minus strand). VCF-style: chrX-133596490-C-A. GRCh37 (hg19) VCF-style: chrX-132730518-C-A.
Other names: c.1592G>T, p.Gly531Val (NM_001164617.2); c.1475G>T, p.Gly492Val (NM_001164618.2); c.1361G>T, p.Gly454Val (NM_001164619.2); short protein forms G454V, G492V, G508V, G531V.
Identifiers: ClinVar variation 2418909 (VCV002418909.8), dbSNP rs2520747091, ClinGen allele CA414700940.
Genomic context (GRCh38, chrX:133,596,490, plus strand): 5'-AATCAGTTACCTGCAAGGAAGCGGAGCTGATTCTTCACTTTTATCATTCCATCACCAGAG[C>A]CTCCAATGCACTCATCTTCATCATCACCGCAGTCTCCACTTTCAAACCCTTCCTCATCCA-3'
Protein context (NP_004475.1, residues 498-518): CGDDEDECIG[Gly508Val]SGDGMIKVKN